The following is an entry in ClinVar:

NM_012082.4(ZFPM2):c.1313T>C (p.Leu438Pro)

Genes: ZFPM2 (zinc finger protein, FOG family member 2; plus strand), ZFPM2-AS1 (ZFPM2 antisense RNA 1; minus strand). Cytogenetic location: 8q23.1.
Variant type: single nucleotide variant.
Coding change: c.1313T>C on transcript NM_012082.4 (MANE Select); coding-DNA position 1313, T replaced by C.
Protein change: p.Leu438Pro; replaces leucine 438 with proline.
Molecular consequence: missense variant.
Genome position (GRCh38, 1-based): chr8:105,801,395, T>C. VCF-style: chr8-105801395-T-C. GRCh37 (hg19) VCF-style: chr8-106813623-T-C.
Other names: c.1154T>C, p.Leu385Pro (NM_001362836.2); c.917T>C, p.Leu306Pro (NM_001362837.2); short protein forms L306P, L385P, L438P.
Identifiers: ClinVar variation 3714997 (VCV003714997.2).
Genomic context (GRCh38, chr8:105,801,395, plus strand): 5'-GCGAACTTCCCCAGAGCCAAAAGGCCATGCAGACTAAAGATGCGAGCTCTGACACAGAGC[T>C]GGACAAGTGTGAGAAAAAGACTCAGCTCTTTCTCACGAACCAGAGACCAGAGATACAGCC-3'
Protein context (NP_036214.2, residues 428-448): QTKDASSDTE[Leu438Pro]DKCEKKTQLF

ClinVar aggregate classification (germline): Uncertain significance (1 of 4 stars; one submission).

Conditions:
46,XY sex reversal 9 (SRXY9). Also called: 46,XY SEX REVERSAL, ZFPM2-RELATED. Identifiers: Orphanet 251510, MedGen C4015129, MONDO:0014480, OMIM 616067.

gnomAD v4.1: 1 of 1,613,846 alleles (0.000062%); highest among the groups gnomAD compares: Admixed American, 0.0017%; no homozygotes.

Submission:

Labcorp Genetics (formerly Invitae), Labcorp
Classification: Uncertain significance for 46,XY sex reversal 9. Last evaluated: 2024-12-12. Review status: criteria provided, single submitter. Criteria: Invitae Variant Classification Sherloc (09022015). Collection method: clinical testing. Allele origin: germline.
Comment: This sequence change replaces leucine, which is neutral and non-polar, with proline, which is neutral and non-polar, at codon 438 of the ZFPM2 protein (p.Leu438Pro). This variant is not present in population databases (gnomAD no frequency). This variant has not been reported in the literature in individuals affected with ZFPM2-related conditions. An algorithm developed to predict the effect of missense changes on protein structure and function (PolyPhen-2) suggests that this variant is likely to be tolerated. In summary, the available evidence is currently insufficient to determine the role of this variant in disease. Therefore, it has been classified as a Variant of Uncertain Significance.